The following is an entry in ClinVar:

NM_000268.4(NF2):c.25A>G (p.Met9Val)

Gene: NF2 (NF2, moesin-ezrin-radixin like (MERLIN) tumor suppressor; plus strand). Cytogenetic location: 22q12.2.
Variant type: single nucleotide variant.
Coding change: c.25A>G on transcript NM_000268.4 (MANE Select); coding-DNA position 25, A replaced by G.
Protein change: p.Met9Val; replaces methionine 9 with valine.
Molecular consequence: missense variant. On other transcripts: non-coding transcript variant (1).
Genome position (GRCh38, 1-based): chr22:29,604,023, A>G. VCF-style: chr22-29604023-A-G. GRCh37 (hg19) VCF-style: chr22-30000012-A-G.
Other names: c.25A>G, p.Met9Val (NM_016418.5, NM_181825.3, NM_181828.3 and 5 more transcripts); short protein forms M9V.
Identifiers: ClinVar variation 821551 (VCV000821551.10), dbSNP rs1249717688, ClinGen allele CA411145809.

ClinVar aggregate classification (germline): Uncertain significance. Review status: criteria provided, multiple submitters, no conflicts (2 of 4 stars). 2 submissions from 2 submitters: Uncertain significance (2). Last evaluated 2022-08-31.

Conditions:
Neurofibromatosis, type 2 (SWNV). Also called: BILATERAL ACOUSTIC NEUROFIBROMATOSIS; SCHWANNOMATOSIS, VESTIBULAR; NF2-Related Schwannomatosis. Identifiers: Orphanet 637, MedGen C0027832, MONDO:0007039, OMIM 101000. Disease mechanism: loss of function.
Hereditary cancer-predisposing syndrome. Also called: Tumor predisposition; Hereditary Cancer Syndrome; Hereditary neoplastic syndrome; Neoplastic Syndromes, Hereditary. Identifiers: Orphanet 140162, MedGen C0027672, MeSH D009386, MONDO:0015356.

Allele frequency attached by ClinVar (database versions not stated): gnomAD exomes below 0.00001.
gnomAD v4.1: 2 of 1,596,838 alleles (0.00013%); highest among the groups gnomAD compares: Non-Finnish European, 0.00017%; no homozygotes.

Submissions (2):

Ambry Genetics
Classification: Uncertain significance for Hereditary cancer-predisposing syndrome. Last evaluated: 2022-08-31. Review status: criteria provided, single submitter. Criteria: Ambry Variant Classification Scheme 2023. Collection method: clinical testing. Allele origin: germline.
Comment: The p.M9V variant (also known as c.25A>G), located in coding exon 1 of the NF2 gene, results from an A to G substitution at nucleotide position 25. The methionine at codon 9 is replaced by valine, an amino acid with highly similar properties. This amino acid position is highly conserved in available vertebrate species. In addition, the in silico prediction for this alteration is inconclusive. Since supporting evidence is limited at this time, the clinical significance of this alteration remains unclear.

Labcorp Genetics (formerly Invitae), Labcorp
Classification: Uncertain significance for Neurofibromatosis, type 2. Last evaluated: 2022-08-27. Review status: criteria provided, single submitter. Criteria: Invitae Variant Classification Sherloc (09022015). Collection method: clinical testing. Allele origin: germline.
Comment: In summary, the available evidence is currently insufficient to determine the role of this variant in disease. Therefore, it has been classified as a Variant of Uncertain Significance. RNA analysis performed to evaluate the impact of this missense change on mRNA splicing indicates it does not significantly alter splicing (Invitae). Algorithms developed to predict the effect of missense changes on protein structure and function are either unavailable or do not agree on the potential impact of this missense change (SIFT: "Deleterious"; PolyPhen-2: "Benign"; Align-GVGD: "Class C0"). ClinVar contains an entry for this variant (Variation ID: 821551). This variant has not been reported in the literature in individuals affected with NF2-related conditions. This variant is present in population databases (no rsID available, gnomAD 0.001%). This sequence change replaces methionine, which is neutral and non-polar, with valine, which is neutral and non-polar, at codon 9 of the NF2 protein (p.Met9Val).